The following is an entry in ClinVar:

ClinVar aggregate classification (germline): Uncertain significance (1 of 4 stars; one submission).

Allele frequency attached by ClinVar (database versions not stated): TOPMed 0.00002.

Submission:

Labcorp Genetics (formerly Invitae), Labcorp
Classification: Uncertain significance. Last evaluated: 2022-02-02. Review status: criteria provided, single submitter. Criteria: Invitae Variant Classification Sherloc (09022015). Collection method: clinical testing. Allele origin: germline.
Comment: In summary, the available evidence is currently insufficient to determine the role of this variant in disease. Therefore, it has been classified as a Variant of Uncertain Significance. Algorithms developed to predict the effect of missense changes on protein structure and function output the following: SIFT: "Tolerated"; PolyPhen-2: "Benign"; Align-GVGD: "Class C0". The threonine amino acid residue is found in multiple mammalian species, which suggests that this missense change does not adversely affect protein function. This variant has not been reported in the literature in individuals affected with ABCA4-related conditions. This variant is not present in population databases (gnomAD no frequency). This sequence change replaces alanine, which is neutral and non-polar, with threonine, which is neutral and polar, at codon 1641 of the ABCA4 protein (p.Ala1641Thr).

NM_000350.3(ABCA4):c.4921G>A (p.Ala1641Thr)

Genes: ABCA4 (ATP binding cassette subfamily A member 4; minus strand), LOC126805793 (CDK7 strongly-dependent group 2 enhancer GRCh37_chr1:94486302-94487501; plus strand). Cytogenetic location: 1p22.1.
Variant type: single nucleotide variant.
Coding change: c.4921G>A on transcript NM_000350.3 (MANE Select); coding-DNA position 4921, G replaced by A.
Protein change: p.Ala1641Thr; replaces alanine 1641 with threonine.
Molecular consequence: missense variant.
Genome position (GRCh38, 1-based): chr1:94,021,337, C>T on the plus strand (G>A on the coding strand, the complement: ABCA4 is on the minus strand). VCF-style: chr1-94021337-C-T. GRCh37 (hg19) VCF-style: chr1-94486893-C-T.
Other names: c.4699G>A, p.Ala1567Thr (NM_001425324.1); short protein forms A1641T, A1567T.
Identifiers: ClinVar variation 1500814 (VCV001500814.8), dbSNP rs1261008142, ClinGen allele CA341283088.
Genomic context (GRCh38, chr1:94,021,337, plus strand): 5'-GGGGTTGGCTAATGACGGTGATTCCATACTCCTCGGGGCTCCTGTCCTTAGGCAGGCTGG[C>T]CCGTAAGATGGCGTTGTGGGCCACATTGAGAAAGCTGACCAGGGCATGCCAGCCTTTGTT-3'
Protein context (NP_000341.2, residues 1631-1651): LNVAHNAILR[Ala1641Thr]SLPKDRSPEE